The following is an entry in ClinVar:

NM_018490.5(LGR4):c.1262G>C (p.Ser421Thr)

Gene: LGR4 (leucine rich repeat containing G protein-coupled receptor 4; minus strand). Cytogenetic location: 11p14.1.
Variant type: single nucleotide variant.
Coding change: c.1262G>C on transcript NM_018490.5 (MANE Select); coding-DNA position 1262, G replaced by C.
Protein change: p.Ser421Thr; replaces serine 421 with threonine.
Molecular consequence: missense variant.
Genome position (GRCh38, 1-based): chr11:27,373,668, C>G on the plus strand (G>C on the coding strand, the complement: LGR4 is on the minus strand). VCF-style: chr11-27373668-C-G. GRCh37 (hg19) VCF-style: chr11-27395215-C-G.
Other names: c.1190G>C, p.Ser397Thr (NM_001346432.2); short protein forms S397T, S421T.
Identifiers: ClinVar variation 4526372 (VCV004526372.1).
Genomic context (GRCh38, chr11:27,373,668, plus strand): 5'-AGTTTCAGTTGATTTAGCCCATTCAGGCCTTCCGTAGGAAAGGAAGTTAATTCATTGAAA[C>G]TTACATCTCTAAAATATGAATGAGACTTCAAGTTAATGCCCAATATATAAATCACATAAA-3'
Protein context (NP_060960.2, residues 411-431): TLGPITNLDV[Ser421Thr]FNELTSFPTE

ClinVar aggregate classification (germline): Uncertain significance (1 of 4 stars; one submission).

Submission:

Centre of Medical Genetics, University Hospital Muenster
Classification: Uncertain significance. Last evaluated: 2025-08-20. Review status: criteria provided, single submitter. Criteria: ACMG Guidelines, 2015. Collection method: clinical testing. Allele origin: unknown. Affected: yes. Observed: 1 variant allele, 1 heterozygote.
Comment: ACMG categories: PM2_sup